The following is an entry in ClinVar:

ClinVar aggregate classification (germline): Pathogenic (1 of 4 stars; one submission).

Conditions:
Hereditary spastic paraplegia 11. Also called: SPASTIC PARAPLEGIA, AUTOSOMAL RECESSIVE, COMPLICATED, WITH THIN CORPUS CALLOSUM; SPASTIC PARAPLEGIA, AUTOSOMAL RECESSIVE, WITH MENTAL IMPAIRMENT AND THIN CORPUS CALLOSUM; Spastic paraplegia, mental retardation and thin corpus callosum; Nakamura Osame syndrome; Autosomal recessive hereditary spastic paraplegia, mental impairment, and thin corpus callosum; Spastic Paraplegia 11. Identifiers: Orphanet 2822, MedGen C1858479, MONDO:0011445, OMIM 604360.

Submission:

Labcorp Genetics (formerly Invitae), Labcorp
Classification: Pathogenic for Hereditary spastic paraplegia 11. Last evaluated: 2018-07-30. Review status: criteria provided, single submitter. Criteria: Invitae Variant Classification Sherloc (09022015). Collection method: clinical testing. Allele origin: germline.
Comment: This variant is not present in population databases (ExAC no frequency). For these reasons, this variant has been classified as Pathogenic. Loss-of-function variants in SPG11 are known to be pathogenic (PMID: 19105190, 20110243, 22154821, 26556829). This variant has not been reported in the literature in individuals with SPG11-related disease. This sequence change creates a premature translational stop signal (p.Ser680Argfs*19) in the SPG11 gene. It is expected to result in an absent or disrupted protein product.

Literature cited by the submitters: PubMed 19105190; PubMed 20110243; PubMed 22154821; PubMed 26556829.

NM_025137.4(SPG11):c.2038_2039dup (p.Ser680fs)

Gene: SPG11 (SPG11 vesicle trafficking associated, spatacsin; minus strand). Cytogenetic location: 15q21.1.
Variant type: Microsatellite.
Coding change: c.2038_2039dup on transcript NM_025137.4 (MANE Select); coding-DNA positions 2038 to 2039, 2 bases duplicated (AG; older notation c.2038_2039dupAG).
Protein change: p.Ser680fs; shifts the reading frame from serine 680.
Molecular consequence: frameshift variant.
Genome position (GRCh38, 1-based): chr15:44,628,697-44,628,698, CT duplicated on the plus strand (AG on the coding strand, the reverse complement: SPG11 is on the minus strand); duplicating any 2 consecutive bases within chr15:44,628,697-44,628,701 gives the same sequence; the c. name uses the placement nearest the transcript's 3' end. VCF-style (leftmost placement, unchanged base first): chr15-44628696-G-GCT. GRCh37 (hg19) VCF-style: chr15-44920894-G-GCT.
Other names: c.2038_2039dup, p.Ser680fs (NM_001160227.2); short protein forms S680fs.
Identifiers: ClinVar variation 655607 (VCV000655607.6), dbSNP rs1595898055, ClinGen allele CA915946568.